The following is an entry in ClinVar:

ClinVar aggregate classification (germline): Conflicting classifications of pathogenicity. Review status: criteria provided, conflicting classifications (1 of 4 stars). 5 submissions from 5 submitters: Likely pathogenic (3); Uncertain significance (1). 1 of the submissions does not count toward it. Last evaluated 2025-11-06.

Conditions:
CD46-related disorders.
Atypical hemolytic-uremic syndrome. Identifiers: Orphanet 2134, MedGen C2931788, MONDO:0016244.
Atypical hemolytic-uremic syndrome with MCP/CD46 anomaly. Also called: HEMOLYTIC UREMIC SYNDROME, ATYPICAL, SUSCEPTIBILITY TO, 2; AHUS, SUSCEPTIBILITY TO, 2. Identifiers: Orphanet 2134, MedGen C2752040, MONDO:0013040, OMIM 612922.

Allele frequency attached by ClinVar (database versions not stated): gnomAD 0.00001; TOPMed 0.00001.
gnomAD v4.1: 7 of 1,613,692 alleles (0.00043%); highest among the groups gnomAD compares: South Asian, 0.0011%; no homozygotes.

Submissions (5):

3billion
Classification: Likely pathogenic for Atypical hemolytic-uremic syndrome with MCP/CD46 anomaly. Last evaluated: 2025-11-06. Review status: criteria provided, single submitter. Criteria: ACMG Guidelines, 2015. Collection method: clinical testing. Allele origin: germline. Affected: yes.
Comment: The variant is observed at an extremely low frequency in the gnomAD v4.1.0 dataset (total allele frequency: <0.001%). Predicted Consequence/Location: Missense variant. The majority of the known disease-causing variants of this gene are variants expected to result in premature termination of the protein. Functional studies provide supporting evidence of the variant having a damaging effect on the gene or gene product (PMID: 14566051). The same nucleotide change resulting in the same amino acid change has been previously reported to be associated with CD46-related disorder (ClinVar ID: VCV000017046 /PMID: 14566051).The variant has been reported to be in trans with a pathogenic variant as either compound heterozygous or homozygous in at least one similarly affected unrelated individual (PMID: 14566051). Therefore, this variant is classified as Likely pathogenic according to the recommendation of ACMG/AMP guideline.

Genomenon, Inc
Classification: Likely pathogenic for Atypical hemolytic-uremic syndrome. Last evaluated: 2025-10-02. Review status: criteria provided, single submitter. Criteria: Genomenon Sequence Variant Interpretation Standards. Collection method: curation. Allele origin: germline. Affected: yes.
Comment: CD46 p.Ser240Pro (c.718T>C) is a missense variant that changes the amino acid at residue 240 from Serine to Proline. This variant has been observed in at least one proband affected with atypical hemolytic-uremic syndrome (PMID:14566051;29500241). The variant was found to segregate with disease in at least one affected family (PMID:14566051). Functional studies have been reported; however, the significance of the findings remain unclear (PMID:14566051;17027083). It is absent or not present at a significant frequency in gnomAD. In conclusion, we classify CD46 p.Ser240Pro (c.718T>C) as a likely pathogenic variant.

Labcorp Genetics (formerly Invitae), Labcorp
Classification: Uncertain significance. Last evaluated: 2025-02-20. Review status: criteria provided, single submitter. Criteria: Invitae Variant Classification Sherloc (09022015). Collection method: clinical testing. Allele origin: germline.
Comment: This sequence change replaces serine, which is neutral and polar, with proline, which is neutral and non-polar, at codon 240 of the CD46 protein (p.Ser240Pro). This variant is present in population databases (rs121909589, gnomAD 0.004%). This missense change has been observed in individual(s) with hemolytic uremic syndrome (PMID: 14566051, 37369098). This variant is also known as T822C S206P. ClinVar contains an entry for this variant (Variation ID: 17046). Invitae Evidence Modeling of protein sequence and biophysical properties (such as structural, functional, and spatial information, amino acid conservation, physicochemical variation, residue mobility, and thermodynamic stability) indicates that this missense variant is not expected to disrupt CD46 protein function with a negative predictive value of 80%. Experimental studies have shown that this missense change affects CD46 function (PMID: 14566051). In summary, the available evidence is currently insufficient to determine the role of this variant in disease. Therefore, it has been classified as a Variant of Uncertain Significance.

Blueprint Genetics
Classification: Likely pathogenic for CD46-related disorders. Last evaluated: 2021-11-23. Review status: criteria provided, single submitter. Criteria: ACMG Guidelines, 2015. Collection method: clinical testing. Allele origin: germline. Affected: yes. Observed: 2 variant alleles.

OMIM
Classification: risk factor for HEMOLYTIC UREMIC SYNDROME, ATYPICAL, SUSCEPTIBILITY TO, 2. Last evaluated: 2003-10-28. Review status: no assertion criteria provided. Collection method: literature only. Allele origin: germline. Not counted in ClinVar's aggregate classification.

Literature cited by the submitters: PubMed 14566051 (cited by 3 submitters); PubMed 29500241 (cited by Genomenon, Inc); PubMed 17027083 (cited by Genomenon, Inc); PubMed 37369098 (cited by Labcorp Genetics (formerly Invitae), Labcorp).

NM_172351.3(CD46):c.718T>C (p.Ser240Pro)

Gene: CD46 (CD46 molecule; plus strand). Cytogenetic location: 1q32.2.
Variant type: single nucleotide variant.
Coding change: c.718T>C on transcript NM_172351.3 (MANE Select); coding-DNA position 718, T replaced by C.
Protein change: p.Ser240Pro; replaces serine 240 with proline.
Molecular consequence: missense variant.
Genome position (GRCh38, 1-based): chr1:207,767,057, T>C. VCF-style: chr1-207767057-T-C. GRCh37 (hg19) VCF-style: chr1-207940402-T-C.
Other names: S206P; c.718T>C, p.Ser240Pro (LRG_155t1, NM_002389.4, NM_153826.4 and 9 more transcripts); short protein forms S240P.
Identifiers: ClinVar variation 17046 (VCV000017046.8), dbSNP rs121909589, ClinGen allele CA257684.
Genomic context (GRCh38, chr1:207,767,057, plus strand): 5'-TTCTCTAATTTTCCAGTGGTCAAATGTCGATTTCCAGTAGTCGAAAATGGAAAACAGATA[T>C]CAGGATTTGGAAAAAAATTTTACTACAAAGCAACAGTTATGTTTGAATGCGATAAGGGTT-3'
Protein context (NP_758861.1, residues 230-250): FPVVENGKQI[Ser240Pro]GFGKKFYYKA